The following is an entry in ClinVar:

NM_015178.3(RHOBTB2):c.1346C>T (p.Ala449Val)

Gene: RHOBTB2 (Rho related BTB domain containing 2; plus strand). Cytogenetic location: 8p21.3.
Variant type: single nucleotide variant.
Coding change: c.1346C>T on transcript NM_015178.3 (MANE Select); coding-DNA position 1346, C replaced by T.
Protein change: p.Ala449Val; replaces alanine 449 with valine.
Molecular consequence: missense variant.
Genome position (GRCh38, 1-based): chr8:23,007,591, C>T. VCF-style: chr8-23007591-C-T. GRCh37 (hg19) VCF-style: chr8-22865104-C-T.
Other names: c.1412C>T, p.Ala471Val (NM_001160036.2); c.1367C>T, p.Ala456Val (NM_001160037.2); c.1346C>T, p.Ala449Val (NM_001374791.1); short protein forms A449V, A456V, A471V.
Identifiers: ClinVar variation 985367 (VCV000985367.11), dbSNP rs1811010315, ClinGen allele CA370568564.

ClinVar aggregate classification (germline): Conflicting classifications of pathogenicity. Review status: criteria provided, conflicting classifications (1 of 4 stars). 3 submissions from 3 submitters: Likely pathogenic (1); Uncertain significance (2). Last evaluated 2025-08-29.

Conditions:
Developmental and epileptic encephalopathy, 64. Also called: EPILEPTIC ENCEPHALOPATHY, EARLY INFANTILE, 64. Identifiers: MedGen C4693899, MONDO:0033373, OMIM 618004.
Inborn genetic diseases. Identifiers: MedGen C0950123, MeSH D030342.

Submissions (3):

3billion
Classification: Likely pathogenic for Developmental and epileptic encephalopathy, 64. Last evaluated: 2025-08-29. Review status: criteria provided, single submitter. Criteria: ACMG Guidelines, 2015. Collection method: clinical testing. Allele origin: germline. Affected: yes.
Comment: The variant is not observed in the gnomAD v4.1.0 dataset. Predicted Consequence/Location: Missense variant. Missense changes are a common disease-causing mechanism. In silico tool predictions suggest no damaging effect of the variant on gene or gene product [REVEL: 0.24 (<0.4); 3Cnet: 0.01 (<0.1, specificity 0.84 and negative predicitive value 0.97)]. The same nucleotide change resulting in the same amino acid change has been previously reported to be associated with RHOBTB2-related disorder (PMID: 37165955). The variant has been previously reported as assumed (i.e. paternity and maternity not confirmed) de novo in at least one similarly affected unrelated individual (PMID: 37165955). Therefore, this variant is classified as Likely pathogenic according to the recommendation of ACMG/AMP guideline.

Labcorp Genetics (formerly Invitae), Labcorp
Classification: Uncertain significance. Last evaluated: 2022-02-02. Review status: criteria provided, single submitter. Criteria: Invitae Variant Classification Sherloc (09022015). Collection method: clinical testing. Allele origin: germline.
Comment: In summary, the available evidence is currently insufficient to determine the role of this variant in disease. Therefore, it has been classified as a Variant of Uncertain Significance. Algorithms developed to predict the effect of missense changes on protein structure and function are either unavailable or do not agree on the potential impact of this missense change (SIFT: "Tolerated"; PolyPhen-2: "Possibly Damaging"; Align-GVGD: "Class C0"). ClinVar contains an entry for this variant (Variation ID: 985367). This sequence change replaces alanine, which is neutral and non-polar, with valine, which is neutral and non-polar, at codon 471 of the RHOBTB2 protein (p.Ala471Val). This variant is not present in population databases (gnomAD no frequency). This variant has not been reported in the literature in individuals affected with RHOBTB2-related conditions.

Ambry Genetics
Classification: Uncertain significance for Inborn genetic diseases. Last evaluated: 2018-01-31. Review status: criteria provided, single submitter. Criteria: Ambry exome assertion method (8-5-2015). Collection method: clinical testing. Allele origin: germline. Affected: yes. Observed: 1 variant allele.

Literature cited by the submitters: PubMed 37165955 (cited by 3billion).